The following is an entry in ClinVar:

ClinVar aggregate classification (germline): Uncertain significance. Review status: criteria provided, multiple submitters, no conflicts (2 of 4 stars). 2 submissions from 2 submitters: Uncertain significance (2). Last evaluated 2025-03-15.

Conditions:
Inborn genetic diseases. Identifiers: MedGen C0950123, MeSH D030342.
Fanconi anemia (FA). Also called: Fanconi's anemia. Identifiers: Orphanet 84, MedGen C0015625, MeSH D005199, MONDO:0019391.

Allele frequency attached by ClinVar (database versions not stated): gnomAD exomes 0.00001; gnomAD 0.00001; TOPMed below 0.00001.
gnomAD v4.1: 6 of 1,614,060 alleles (0.00037%); highest among the groups gnomAD compares: Non-Finnish European, 0.00051%; no homozygotes.

Submissions (2):

Ambry Genetics
Classification: Uncertain significance for Inborn genetic diseases. Last evaluated: 2025-03-15. Review status: criteria provided, single submitter. Criteria: Ambry Variant Classification Scheme 2023. Collection method: clinical testing. Allele origin: germline.
Comment: The p.L289I variant (also known as c.865C>A), located in coding exon 7 of the FANCG gene, results from a C to A substitution at nucleotide position 865. The leucine at codon 289 is replaced by isoleucine, an amino acid with highly similar properties. This amino acid position is conserved. In addition, this alteration is predicted to be tolerated by in silico analysis. Based on the available evidence, the clinical significance of this variant remains unclear.

Labcorp Genetics (formerly Invitae), Labcorp
Classification: Uncertain significance for Fanconi anemia. Last evaluated: 2022-08-22. Review status: criteria provided, single submitter. Criteria: Invitae Variant Classification Sherloc (09022015). Collection method: clinical testing. Allele origin: germline.
Comment: This sequence change replaces leucine, which is neutral and non-polar, with isoleucine, which is neutral and non-polar, at codon 289 of the FANCG protein (p.Leu289Ile). This variant is not present in population databases (gnomAD no frequency). This variant has not been reported in the literature in individuals affected with FANCG-related conditions. Algorithms developed to predict the effect of missense changes on protein structure and function output the following: SIFT: "Tolerated"; PolyPhen-2: "Benign"; Align-GVGD: "Class C0". The isoleucine amino acid residue is found in multiple mammalian species, which suggests that this missense change does not adversely affect protein function. Algorithms developed to predict the effect of sequence changes on RNA splicing suggest that this variant may create or strengthen a splice site. In summary, the available evidence is currently insufficient to determine the role of this variant in disease. Therefore, it has been classified as a Variant of Uncertain Significance.

NM_004629.2(FANCG):c.865C>A (p.Leu289Ile)

Gene: FANCG (FA complementation group G; minus strand). Cytogenetic location: 9p13.3.
Variant type: single nucleotide variant.
Coding change: c.865C>A on transcript NM_004629.2 (MANE Select); coding-DNA position 865, C replaced by A.
Protein change: p.Leu289Ile; replaces leucine 289 with isoleucine.
Molecular consequence: missense variant.
Genome position (GRCh38, 1-based): chr9:35,076,783, G>T on the plus strand (C>A on the coding strand, the complement: FANCG is on the minus strand). VCF-style: chr9-35076783-G-T. GRCh37 (hg19) VCF-style: chr9-35076780-G-T.
Other names: short protein forms L289I.
Identifiers: ClinVar variation 2081572 (VCV002081572.2), dbSNP rs1335298552, ClinGen allele CA373312975.